The following is an entry in ClinVar:

ClinVar aggregate classification (germline): Uncertain significance (1 of 4 stars; one submission).

Conditions:
Retinoblastoma (RB1). Also called: RETINOBLASTOMA, SOMATIC. Identifiers: Orphanet 790, MedGen C0035335, MeSH D012175, MONDO:0008380, OMIM 180200, HP:0009919. Disease mechanism: loss of function. Inheritance: Both sporadic and heritable forms are tested..

gnomAD v4.1: 1 of 1,611,656 alleles (0.000062%); highest among the groups gnomAD compares: East Asian, 0.0022%; no homozygotes.

Submission:

Labcorp Genetics (formerly Invitae), Labcorp
Classification: Uncertain significance for Retinoblastoma. Last evaluated: 2019-05-30. Review status: criteria provided, single submitter. Criteria: Invitae Variant Classification Sherloc (09022015). Collection method: clinical testing. Allele origin: germline.
Comment: In summary, the available evidence is currently insufficient to determine the role of this variant in disease. Therefore, it has been classified as a Variant of Uncertain Significance. Algorithms developed to predict the effect of missense changes on protein structure and function (SIFT, PolyPhen-2, Align-GVGD) all suggest that this variant is likely to be disruptive, but these predictions have not been confirmed by published functional studies and their clinical significance is uncertain. This variant has not been reported in the literature in individuals with RB1-related conditions. This variant is not present in population databases (ExAC no frequency). This sequence change replaces alanine with valine at codon 525 of the RB1 protein (p.Ala525Val). The alanine residue is highly conserved and there is a small physicochemical difference between alanine and valine.

NM_000321.3(RB1):c.1574C>T (p.Ala525Val)

Gene: RB1 (RB transcriptional corepressor 1; plus strand). Cytogenetic location: 13q14.2.
Variant type: single nucleotide variant.
Coding change: c.1574C>T on transcript NM_000321.3 (MANE Select); coding-DNA position 1574, C replaced by T.
Protein change: p.Ala525Val; replaces alanine 525 with valine.
Molecular consequence: missense variant.
Genome position (GRCh38, 1-based): chr13:48,381,322, C>T. VCF-style: chr13-48381322-C-T. GRCh37 (hg19) VCF-style: chr13-48955458-C-T.
Other names: short protein forms A525V.
Identifiers: ClinVar variation 945266 (VCV000945266.9), dbSNP rs4151539, ClinGen allele CA388163584.